The following is an entry in ClinVar:

NM_017780.4(CHD7):c.3064A>G (p.Ile1022Val)

Gene: CHD7 (chromodomain helicase DNA binding protein 7; plus strand). Cytogenetic location: 8q12.2.
Variant type: single nucleotide variant.
Coding change: c.3064A>G on transcript NM_017780.4 (MANE Select); coding-DNA position 3064, A replaced by G.
Protein change: p.Ile1022Val; replaces isoleucine 1022 with valine.
Molecular consequence: missense variant. On other transcripts: intron variant (1).
Genome position (GRCh38, 1-based): chr8:60,822,609, A>G. VCF-style: chr8-60822609-A-G. GRCh37 (hg19) VCF-style: chr8-61735168-A-G.
Other names: c.1717-39620A>G (NM_001316690.1); short protein forms I1022V.
Identifiers: ClinVar variation 459545 (VCV000459545.17), dbSNP rs767043440, ClinGen allele CA4759883.

ClinVar aggregate classification (germline): Conflicting classifications of pathogenicity. Review status: criteria provided, conflicting classifications (1 of 4 stars). 4 submissions from 4 submitters: Uncertain significance (2); Likely benign (2). Last evaluated 2025-12-01.

Conditions:
CHARGE syndrome (CHARGE). Also called: Hittner Hirsch Kreh syndrome; CHARGE ASSOCIATION--COLOBOMA, HEART ANOMALY, CHOANAL ATRESIA, RETARDATION, GENITAL AND EAR ANOMALIES; Coloboma, heart anomaly, choanal atresia, retardation, genital and ear anomalies; CHARGE association; Hall-Hittner syndrome. Identifiers: Orphanet 138, MedGen C0265354, MONDO:0008965.
Hypogonadotropic hypogonadism 5 with or without anosmia (KAL5). Also called: CHD7-Related GnRH Deficiency (Kallmann Syndrome 5); HYPOGONADOTROPIC HYPOGONADISM 5 WITH ANOSMIA; HYPOGONADOTROPHIC HYPOGONADISM 5 WITHOUT ANOSMIA. Identifiers: Orphanet 478, MedGen C3552553, MONDO:0012880, OMIM 612370. Disease mechanism: loss of function.

Allele frequency attached by ClinVar (database versions not stated): gnomAD 0.00001; gnomAD exomes 0.00001 and 0.00002; ExAC 0.00002; TOPMed 0.00002.
gnomAD v4.1: 12 of 1,613,734 alleles (0.00074%); highest among the groups gnomAD compares: Non-Finnish European, 0.001%; no homozygotes.

Submissions (4):

CeGaT Center for Human Genetics Tuebingen
Classification: Likely benign. Last evaluated: 2025-12-01. Review status: criteria provided, single submitter. Criteria: CeGaT Center For Human Genetics Tuebingen Variant Classification Criteria Version 2. Collection method: clinical testing. Allele origin: germline. Affected: yes. Observed: 1 variant allele.
Comment: CHD7: PP3, BS2

Labcorp Genetics (formerly Invitae), Labcorp
Classification: Likely benign for CHARGE syndrome. Last evaluated: 2022-08-09. Review status: criteria provided, single submitter. Criteria: Invitae Variant Classification Sherloc (09022015). Collection method: clinical testing. Allele origin: germline.

Fulgent Genetics
Classification: Uncertain significance for CHD7-related CHARGE syndrome; Hypogonadotropic hypogonadism 5 with or without anosmia. Last evaluated: 2022-05-09. Review status: criteria provided, single submitter. Criteria: ACMG Guidelines, 2015. Collection method: clinical testing. Allele origin: unknown.

Center for Genomics, Ann and Robert H. Lurie Children's Hospital of Chicago
Classification: Uncertain significance for Hypogonadotropic hypogonadism 5 with or without anosmia; CHD7-related CHARGE syndrome. Review status: criteria provided, single submitter. Criteria: ACMG Guidelines, 2015. Collection method: clinical testing. Allele origin: germline.
Comment: CHD7 NM_017780.3 exon 12 p.Ile1022Val (c.3064A>G): This variant has not been reported in the literature but is present in 0.003% (5/128332) of European alleles in the Genome Aggregation Database. This variant is present in ClinVar (Variation ID:459545). Evolutionary conservation suggests that this variant may impact the protein; computational predictive tools for this variant are unclear. In summary, data on this variant is insufficient for disease classification. Therefore, the clinical significance of this variant is uncertain.